The following is an entry in ClinVar:

NM_018713.3(SLC30A10):c.446G>A (p.Ser149Asn)

Gene: SLC30A10 (solute carrier family 30 member 10; minus strand). Cytogenetic location: 1q41.
Variant type: single nucleotide variant.
Coding change: c.446G>A on transcript NM_018713.3 (MANE Select); coding-DNA position 446, G replaced by A.
Protein change: p.Ser149Asn; replaces serine 149 with asparagine.
Molecular consequence: missense variant. On other transcripts: 5 prime UTR variant (1), intron variant (1).
Genome position (GRCh38, 1-based): chr1:219,927,995, C>T on the plus strand (G>A on the coding strand, the complement: SLC30A10 is on the minus strand). VCF-style: chr1-219927995-C-T. GRCh37 (hg19) VCF-style: chr1-220101337-C-T.
Other names: c.-268G>A (NM_001416005.1); c.452-890G>A (NM_001376929.1); short protein forms S149N.
Identifiers: ClinVar variation 4686202 (VCV004686202.1).

ClinVar aggregate classification (germline): Uncertain significance (1 of 4 stars; one submission).

Submission:

GeneDx
Classification: Uncertain significance. Last evaluated: 2025-07-18. Review status: criteria provided, single submitter. Criteria: GeneDx Variant Classification Process June 2021. Collection method: clinical testing. Allele origin: germline. Affected: yes.
Comment: Not observed at significant frequency in large population cohorts (gnomAD); In silico analysis suggests that this missense variant does not alter protein structure/function; Has not been previously published as pathogenic or benign to our knowledge